The following is an entry in ClinVar:

ClinVar aggregate classification (germline): Uncertain significance (1 of 4 stars; one submission).

Submission:

Labcorp Genetics (formerly Invitae), Labcorp
Classification: Uncertain significance. Last evaluated: 2021-04-02. Review status: criteria provided, single submitter. Criteria: Invitae Variant Classification Sherloc (09022015). Collection method: clinical testing. Allele origin: germline.
Comment: This variant is not present in population databases (ExAC no frequency). In summary, the available evidence is currently insufficient to determine the role of this variant in disease. Therefore, it has been classified as a Variant of Uncertain Significance. Experimental studies and prediction algorithms are not available or were not evaluated, and the functional significance of this variant is currently unknown. This variant has not been reported in the literature in individuals with ROM1-related conditions. This sequence change creates a premature translational stop signal (p.Tyr309*) in the ROM1 gene. While this is not anticipated to result in nonsense mediated decay, it is expected to disrupt the last 43 amino acid(s) of the ROM1 protein.

NM_000327.4(ROM1):c.926_944del (p.Gly308_Tyr309insTer)

Gene: ROM1 (retinal outer segment membrane protein 1; plus strand). Cytogenetic location: 11q12.3.
Variant type: Deletion.
Coding change: c.926_944del on transcript NM_000327.4 (MANE Select); coding-DNA positions 926 to 944, 19 bases deleted (ATCTCTTTCCCAGTGGGCT).
Protein change: p.Gly308_Tyr309insTer.
Molecular consequence: nonsense.
Genome position (GRCh38, 1-based): chr11:62,614,709-62,614,727, ATCTCTTTCCCAGTGGGCT deleted; deleting any 19 consecutive bases within chr11:62,614,704-62,614,727 gives the same sequence; the c. name uses the placement nearest the transcript's 3' end. VCF-style (leftmost placement, unchanged base first): chr11-62614703-AGGGCTATCTCTTTCCCAGT-A. GRCh37 (hg19) VCF-style: chr11-62382175-AGGGCTATCTCTTTCCCAGT-A.
Identifiers: ClinVar variation 1370495 (VCV001370495.6), dbSNP rs2134424488, ClinGen allele CA2573147454.